The following is an entry in ClinVar:

ClinVar aggregate classification (germline): Uncertain significance. Review status: criteria provided, multiple submitters, no conflicts (2 of 4 stars). 6 submissions from 5 submitters: Uncertain significance (6). Last evaluated 2025-08-13.

Conditions:
Congenital stationary night blindness autosomal dominant 2. Also called: NIGHT BLINDNESS, CONGENITAL STATIONARY, RAMBUSCH TYPE. Identifiers: Orphanet 215, MedGen C1876182, MONDO:0008099, OMIM 163500.
Inborn genetic diseases. Identifiers: MedGen C0950123, MeSH D030342.
Retinitis pigmentosa (RP). Identifiers: Orphanet 791, MedGen C0035334, MeSH D012174, MONDO:0019200, OMIM 268000. Inheritance: Autosomal dominant, autosomal recessive and X linked inheritance.

Allele frequency attached by ClinVar (database versions not stated): ExAC 0.00003; gnomAD exomes 0.00003; TOPMed 0.00005; gnomAD 0.00007 and 0.00008.
gnomAD v4.1: 160 of 1,613,624 alleles (0.0099%); highest among the groups gnomAD compares: Non-Finnish European, 0.013%; no homozygotes.

Submissions (6):

Ambry Genetics
Classification: Uncertain significance for Inborn genetic diseases. Last evaluated: 2025-08-13. Review status: criteria provided, single submitter. Criteria: Ambry Variant Classification Scheme 2023. Collection method: clinical testing. Allele origin: germline.

Labcorp Genetics (formerly Invitae), Labcorp
Classification: Uncertain significance. Last evaluated: 2025-04-16. Review status: criteria provided, single submitter. Criteria: Invitae Variant Classification Sherloc (09022015). Collection method: clinical testing. Allele origin: germline.
Comment: This sequence change replaces threonine, which is neutral and polar, with alanine, which is neutral and non-polar, at codon 263 of the PDE6B protein (p.Thr263Ala). This variant is present in population databases (rs761281062, gnomAD 0.008%). This variant has not been reported in the literature in individuals affected with PDE6B-related conditions. ClinVar contains an entry for this variant (Variation ID: 905966). Invitae Evidence Modeling of protein sequence and biophysical properties (such as structural, functional, and spatial information, amino acid conservation, physicochemical variation, residue mobility, and thermodynamic stability) has been performed for this missense variant. However, the output from this modeling did not meet the statistical confidence thresholds required to predict the impact of this variant on PDE6B protein function. In summary, the available evidence is currently insufficient to determine the role of this variant in disease. Therefore, it has been classified as a Variant of Uncertain Significance.

Blueprint Genetics
Classification: Uncertain significance. Last evaluated: 2024-07-08. Review status: criteria provided, single submitter. Criteria: ACMG Guidelines, 2015. Collection method: clinical testing. Allele origin: germline.

CeGaT Center for Human Genetics Tuebingen
Classification: Uncertain significance. Last evaluated: 2023-07-01. Review status: criteria provided, single submitter. Criteria: CeGaT Center For Human Genetics Tuebingen Variant Classification Criteria Version 2. Collection method: clinical testing. Allele origin: germline. Affected: yes. Observed: 1 variant allele.
Comment: PDE6B: PM1, PM2

Illumina Laboratory Services, Illumina
Classification: Uncertain significance for Congenital stationary night blindness autosomal dominant 2. Last evaluated: 2018-01-12. Review status: criteria provided, single submitter. Criteria: ICSL Variant Classification Criteria 13 December 2019. Collection method: clinical testing. Allele origin: germline.

Illumina Laboratory Services, Illumina
Classification: Uncertain significance for Retinitis pigmentosa. Last evaluated: 2018-01-12. Review status: criteria provided, single submitter. Criteria: ICSL Variant Classification Criteria 13 December 2019. Collection method: clinical testing. Allele origin: germline.

NM_000283.4(PDE6B):c.787A>G (p.Thr263Ala)

Genes: PDE6B (phosphodiesterase 6B; plus strand), PDE6B-AS1 (PDE6B antisense RNA 1; minus strand). Cytogenetic location: 4p16.3.
Variant type: single nucleotide variant.
Coding change: c.787A>G on transcript NM_000283.4 (MANE Select); coding-DNA position 787, A replaced by G.
Protein change: p.Thr263Ala; replaces threonine 263 with alanine.
Molecular consequence: missense variant. On other transcripts: 5 prime UTR variant (5).
Genome position (GRCh38, 1-based): chr4:653,927, A>G. VCF-style: chr4-653927-A-G. GRCh37 (hg19) VCF-style: chr4-647716-A-G.
Other names: c.787A>G, p.Thr263Ala (NM_001145291.2); c.-51A>G (NM_001145292.2, NM_001350154.3, NM_001379246.1 and 1 more transcripts); c.-254A>G (NM_001350155.3); short protein forms T263A.
Identifiers: ClinVar variation 905966 (VCV000905966.41), dbSNP rs761281062, ClinGen allele CA2794117.